The following is an entry in ClinVar:

NM_000465.4(BARD1):c.1513G>A (p.Gly505Arg)

Gene: BARD1 (BRCA1 associated RING domain 1; minus strand). Cytogenetic location: 2q35.
Variant type: single nucleotide variant.
Coding change: c.1513G>A on transcript NM_000465.4 (MANE Select); coding-DNA position 1513, G replaced by A.
Protein change: p.Gly505Arg; replaces glycine 505 with arginine.
Molecular consequence: missense variant. On other transcripts: non-coding transcript variant (3), intron variant (3).
Genome position (GRCh38, 1-based): chr2:214,767,537, C>T on the plus strand (G>A on the coding strand, the complement: BARD1 is on the minus strand). VCF-style: chr2-214767537-C-T. GRCh37 (hg19) VCF-style: chr2-215632261-C-T.
Other names: NP_000456.2:p.Gly505Arg; c.1513G>A (NM_000465.3); c.1456G>A, p.Gly486Arg (NM_001282543.2); c.159-14982G>A (NM_001282548.2); c.216-14982G>A (NM_001282545.2); c.364+24760G>A (NM_001282549.2); short protein forms G486R, G505R.
Identifiers: ClinVar variation 1200514 (VCV001200514.12), dbSNP rs864622240, ClinGen allele CA350448301.

ClinVar aggregate classification (germline): Uncertain significance. Review status: criteria provided, multiple submitters, no conflicts (2 of 4 stars). 6 submissions from 6 submitters: Uncertain significance (6). Last evaluated 2025-11-09.

Conditions:
Hereditary breast ovarian cancer syndrome. Also called: Hereditary breast and ovarian cancer syndrome; Breast and ovarian cancer; Hereditary breast and ovarian cancer syndrome (HBOC); Hereditary breast and/or ovarian cancer syndrome; BRCA1- and BRCA2-Associated Hereditary Breast and Ovarian Cancer; Hereditary breast and ovarian cancer. Identifiers: Orphanet 145, MedGen C0677776, MeSH D061325, MONDO:0003582. Disease mechanism: loss of function.
Hereditary cancer-predisposing syndrome. Also called: Neoplastic Syndromes, Hereditary; Hereditary neoplastic syndrome; Hereditary Cancer Syndrome; Tumor predisposition. Identifiers: Orphanet 140162, MedGen C0027672, MeSH D009386, MONDO:0015356.
Familial cancer of breast. Also called: Hereditary breast cancer; hereditary breast carcinoma; BREAST CANCER, FAMILIAL. Identifiers: Orphanet 227535, MedGen C0346153, MONDO:0016419, OMIM 114480. Disease mechanism: loss of function.

Allele frequency attached by ClinVar (database versions not stated): gnomAD exomes below 0.00001.
gnomAD v4.1: 1 of 1,613,996 alleles (0.000062%); highest among the groups gnomAD compares: Non-Finnish European, 0.000085%; no homozygotes.

Submissions (6):

Labcorp Genetics (formerly Invitae), Labcorp
Classification: Uncertain significance for Familial cancer of breast. Last evaluated: 2025-11-09. Review status: criteria provided, single submitter. Criteria: Invitae Variant Classification Sherloc (09022015). Collection method: clinical testing. Allele origin: germline.
Comment: This sequence change replaces glycine, which is neutral and non-polar, with arginine, which is basic and polar, at codon 505 of the BARD1 protein (p.Gly505Arg). This variant is not present in population databases (gnomAD no frequency). This variant has not been reported in the literature in individuals affected with BARD1-related conditions. ClinVar contains an entry for this variant (Variation ID: 1200514). An algorithm developed to predict the effect of missense changes on protein structure and function (PolyPhen-2) suggests that this variant is likely to be disruptive. In summary, the available evidence is currently insufficient to determine the role of this variant in disease. Therefore, it has been classified as a Variant of Uncertain Significance.

Ambry Genetics
Classification: Uncertain significance for Hereditary cancer-predisposing syndrome. Last evaluated: 2024-11-14. Review status: criteria provided, single submitter. Criteria: Ambry Variant Classification Scheme 2023. Collection method: clinical testing. Allele origin: germline.
Comment: The p.G505R variant (also known as c.1513G>A), located in coding exon 6 of the BARD1 gene, results from a G to A substitution at nucleotide position 1513. The glycine at codon 505 is replaced by arginine, an amino acid with dissimilar properties. This amino acid position is highly conserved in available vertebrate species. In addition, this alteration is predicted to be deleterious by in silico analysis. Based on the available evidence, the clinical significance of this variant remains unclear.

Fulgent Genetics
Classification: Uncertain significance for Familial cancer of breast. Last evaluated: 2024-01-15. Review status: criteria provided, single submitter. Criteria: ACMG Guidelines, 2015. Collection method: clinical testing. Allele origin: germline.

KCCC/NGS Laboratory, Kuwait Cancer Control Center
Classification: Uncertain significance for Familial cancer of breast. Last evaluated: 2023-07-07. Review status: criteria provided, single submitter. Criteria: ACMG Guidelines, 2015. Collection method: clinical testing. Allele origin: unknown. Affected: yes.
Comment: This sequence change replaces glycine with arginine at codon 505 of the BARD1 protein (p.Gly505Arg). The glycine residue is highly conserved and there is a moderate physicochemical difference between glycine and arginine. This Variant not found in gnomAD genomes. This variant has not been reported in the literature in individuals with BARD1-related conditions. ClinVar contains an entry for this variant (Variation ID: 219764) with two submitters, both of which describe it as variant of uncertain significance. In-silico predictions show Pathogenic computational verdict based on 10 pathogenic predictions from BayesDel_addAF, DANN, EIGEN, FATHMM-MKL, LIST-S2, M-CAP, MVP, MutationAssessor, MutationTaster and SIFT vs 2 benign predictions from DEOGEN2 and PrimateAI. No functional studies have been published for this variant. Therefore, it has been classified as a Variant of Uncertain Significance.

National Health Laboratory Service, Universitas Academic Hospital and University of the Free State
Classification: Uncertain significance for Hereditary breast ovarian cancer syndrome. Last evaluated: 2022-04-19. Review status: criteria provided, single submitter. Criteria: ACMG Guidelines, 2015. Collection method: clinical testing. Allele origin: germline. Affected: yes. Observed: 1 variant allele.

GeneDx
Classification: Uncertain significance. Last evaluated: 2019-09-12. Review status: criteria provided, single submitter. Criteria: GeneDx Variant Classification Process June 2021. Collection method: clinical testing. Allele origin: germline. Affected: yes.
Comment: Not observed in large population cohorts (Lek 2016); In silico analysis, which includes protein predictors and evolutionary conservation, supports a deleterious effect; Has not been previously published as pathogenic or benign to our knowledge